The following is an entry in ClinVar:

ClinVar aggregate classification (germline): Pathogenic (1 of 4 stars; one submission).

Conditions:
Hereditary cancer-predisposing syndrome. Also called: Neoplastic Syndromes, Hereditary; Tumor predisposition; Hereditary Cancer Syndrome; Hereditary neoplastic syndrome. Identifiers: Orphanet 140162, MedGen C0027672, MeSH D009386, MONDO:0015356.

Submission:

Ambry Genetics
Classification: Pathogenic for Hereditary cancer-predisposing syndrome. Last evaluated: 2021-04-23. Review status: criteria provided, single submitter. Criteria: Ambry Variant Classification Scheme 2023. Collection method: clinical testing. Allele origin: germline.
Comment: The c.2018dupA pathogenic mutation, located in coding exon 12 of the ATM gene, results from a duplication of A at nucleotide position 2018, causing a translational frameshift with a predicted alternate stop codon. This variant is considered to be rare based on population cohorts in the Genome Aggregation Database (gnomAD). This alteration is expected to result in loss of function by premature protein truncation or nonsense-mediated mRNA decay. As such, this alteration is interpreted as a disease-causing mutation.

NM_000051.4(ATM):c.2018dup (p.His674fs)

Gene: ATM (ATM serine/threonine kinase; plus strand). Cytogenetic location: 11q22.3.
Variant type: Duplication.
Coding change: c.2018dup on transcript NM_000051.4 (MANE Select); coding-DNA position 2018, one base duplicated (A; older notation c.2018dupA).
Protein change: p.His674fs; shifts the reading frame from histidine 674.
Molecular consequence: frameshift variant.
Genome position (GRCh38, 1-based): chr11:108,253,933, A duplicated; the last of 4 consecutive A bases (chr11:108,253,930-108,253,933); duplicating any one gives the same sequence. VCF-style (leftmost placement, unchanged base first): chr11-108253929-G-GA. GRCh37 (hg19) VCF-style: chr11-108124656-G-GA.
Other names: c.2018dup, p.His674fs (NM_001351834.2); c.2018dupA (NM_000051.3); short protein forms H674fs.
Identifiers: ClinVar variation 1784489 (VCV001784489.2), dbSNP rs2497314466, ClinGen allele CA2580082940.